The following is an entry in ClinVar:

NM_000211.5(ITGB2):c.1316T>C (p.Val439Ala)

Gene: ITGB2 (integrin subunit beta 2; minus strand). Cytogenetic location: 21q22.3.
Variant type: single nucleotide variant.
Coding change: c.1316T>C on transcript NM_000211.5 (MANE Select); coding-DNA position 1316, T replaced by C.
Protein change: p.Val439Ala; replaces valine 439 with alanine.
Molecular consequence: missense variant.
Genome position (GRCh38, 1-based): chr21:44,891,905, A>G on the plus strand (T>C on the coding strand, the complement: ITGB2 is on the minus strand). VCF-style: chr21-44891905-A-G. GRCh37 (hg19) VCF-style: chr21-46311820-A-G.
Other names: p.Val439Ala; c.1316T>C, p.Val439Ala (NM_001127491.3); c.1109T>C, p.Val370Ala (NM_001303238.2); short protein forms V370A, V439A.
Identifiers: ClinVar variation 2683557 (VCV002683557.2), dbSNP rs966773032, ClinGen allele CA321895985.

ClinVar aggregate classification (germline): Uncertain significance. Review status: criteria provided, multiple submitters, no conflicts (2 of 4 stars). 2 submissions from 2 submitters: Uncertain significance (2). Last evaluated 2024-06-04.

Conditions:
Inborn genetic diseases. Identifiers: MedGen C0950123, MeSH D030342.

Allele frequency attached by ClinVar (database versions not stated): TOPMed 0.00001; gnomAD exomes 0.00003.
gnomAD v4.1: 45 of 1,613,302 alleles (0.0028%); highest among the groups gnomAD compares: Non-Finnish European, 0.0036%; 1 homozygote.

Submissions (2):

Ambry Genetics
Classification: Uncertain significance for Inborn genetic diseases. Last evaluated: 2024-06-04. Review status: criteria provided, single submitter. Criteria: Ambry Variant Classification Scheme 2023. Collection method: clinical testing. Allele origin: germline.

Mayo Clinic Laboratories, Mayo Clinic
Classification: Uncertain significance. Last evaluated: 2023-02-07. Review status: criteria provided, single submitter. Criteria: ACMG Guidelines, 2015. Collection method: clinical testing. Allele origin: germline. Observed: 1 variant allele.
Comment: PP3